The following is an entry in ClinVar:

ClinVar aggregate classification (germline): Uncertain significance (1 of 4 stars; one submission).

Conditions:
PKD1L1-related disorder. Also called: PKD1L1-related condition.

gnomAD v4.1: 3 of 1,614,034 alleles (0.00019%); highest among the groups gnomAD compares: Non-Finnish European, 0.00025%; no homozygotes.

Submission:

PreventionGenetics, part of Exact Sciences
Classification: Uncertain significance for PKD1L1-related condition. Last evaluated: 2026-02-10. Review status: criteria provided, single submitter. Criteria: ACMG Guidelines, 2015. Collection method: clinical testing. Allele origin: germline.
Comment: The PKD1L1 c.3022A>G variant is predicted to result in the amino acid substitution p.Thr1008Ala. To our knowledge, this variant has not been reported in the literature or in a large population database (gnomAD), indicating this variant is rare. At this time, the clinical significance of this variant is uncertain due to the absence of conclusive functional and genetic evidence.

NM_138295.5(PKD1L1):c.3022A>G (p.Thr1008Ala)

Gene: PKD1L1 (polycystin 1 like 1, transient receptor potential channel interacting; minus strand). Cytogenetic location: 7p12.3.
Variant type: single nucleotide variant.
Coding change: c.3022A>G on transcript NM_138295.5 (MANE Select); coding-DNA position 3022, A replaced by G.
Protein change: p.Thr1008Ala; replaces threonine 1008 with alanine.
Molecular consequence: missense variant.
Genome position (GRCh38, 1-based): chr7:47,885,869, T>C on the plus strand (A>G on the coding strand, the complement: PKD1L1 is on the minus strand). VCF-style: chr7-47885869-T-C. GRCh37 (hg19) VCF-style: chr7-47925467-T-C.
Other names: short protein forms T1008A.
Identifiers: ClinVar variation 4995836 (VCV004995836.1).
Genomic context (GRCh38, chr7:47,885,869, plus strand): 5'-GGACTGCAGAGTCCCCCGCAGGAGGAATCCAGTAGACTCCAGTCATGGGCTCTGTGGGGG[T>C]TCCCCTTGGAGCTGAAGTGGCAGGTTGGCCAAGGGTCACGGGTGAAGGTTCCCGTGAGAA-3'
Protein context (NP_612152.1, residues 998-1018): GQPATSAPRG[Thr1008Ala]PTEPMTGVYW